The following is an entry in ClinVar:

NM_001042492.3(NF1):c.4868T>C (p.Leu1623Pro)

Gene: NF1 (neurofibromin 1; plus strand). Cytogenetic location: 17q11.2.
Variant type: single nucleotide variant.
Coding change: c.4868T>C on transcript NM_001042492.3 (MANE Select); coding-DNA position 4868, T replaced by C.
Protein change: p.Leu1623Pro; replaces leucine 1623 with proline.
Molecular consequence: missense variant.
Genome position (GRCh38, 1-based): chr17:31,325,852, T>C. VCF-style: chr17-31325852-T-C. GRCh37 (hg19) VCF-style: chr17-29652870-T-C.
Other names: c.4805T>C, p.Leu1602Pro (NM_000267.4); short protein forms L1602P, L1623P.
Identifiers: ClinVar variation 1317395 (VCV001317395.8), dbSNP rs2151537585, ClinGen allele CA399006993.
Genomic context (GRCh38, chr17:31,325,852, plus strand): 5'-TCTTTGTCTTTTTTGTCATTTTCCTTAGGTTCAAAACTGGTCAAATCAATGGTGATTTGC[T>C]GATATACCATGTCTTACTGACTTTAAAGCCATATTATGCAAAGCCATATGAAATTGTAGT-3'
Protein context (NP_001035957.1, residues 1613-1633): FKTGQINGDL[Leu1623Pro]IYHVLLTLKP

ClinVar aggregate classification (germline): Conflicting classifications of pathogenicity. Review status: criteria provided, conflicting classifications (1 of 4 stars). 3 submissions from 3 submitters: Likely pathogenic (2); Uncertain significance (1). Last evaluated 2025-09-22.

Conditions:
Neurofibromatosis, type 1 (NF1). Also called: VON RECKLINGHAUSEN DISEASE; Peripheral type neurofibromatosis; NEUROFIBROMATOSIS, TYPE I, SOMATIC; Neurofibromatosis, type I. Identifiers: Orphanet 636, MedGen C0027831, MONDO:0018975, OMIM 162200. Disease mechanism: loss of function.

Submissions (3):

Variantyx, Inc.
Classification: Likely pathogenic for Neurofibromatosis, type 1. Last evaluated: 2025-09-22. Review status: criteria provided, single submitter. Criteria: Variantyx Assertion Criteria 2022. Collection method: clinical testing. Allele origin: germline. Inheritance: Autosomal dominant inheritance. Affected: yes.
Comment: This is a nonsynonymous variant in the NF1 gene (OMIM: 613113). Pathogenic variants in this gene have been associated with autosomal dominant neurofibromatosis type 1. This variant has been reported in at least one affected individual (PMID: 27322474) (PS4_Moderate). This variant lies within a known hotspot for pathogenic variants or a well-established critical functional domain of the NF1 protein (PMID: 17187824) (PM1), and an alternate amino acid change at this position (p.Leu1623Arg) has been reported in affected individuals; however, its pathogenicity has not been established. Multiple computational algorithms predict a deleterious effect for this variant (REVEL score: 0.901) (PP3). This variant is absent from control populations (PM2). Based on the current evidence, this variant is classified as likely pathogenic for autosomal dominant neurofibromatosis type 1.

Labcorp Genetics (formerly Invitae), Labcorp
Classification: Likely pathogenic for Neurofibromatosis, type 1. Last evaluated: 2023-12-24. Review status: criteria provided, single submitter. Criteria: Invitae Variant Classification Sherloc (09022015). Collection method: clinical testing. Allele origin: germline.
Comment: This sequence change replaces leucine, which is neutral and non-polar, with proline, which is neutral and non-polar, at codon 1602 of the NF1 protein (p.Leu1602Pro). This variant is not present in population databases (gnomAD no frequency). This missense change has been observed in individual(s) with neurofibromatosis type 1 (PMID: 27322474). ClinVar contains an entry for this variant (Variation ID: 1317395). Advanced modeling of protein sequence and biophysical properties (such as structural, functional, and spatial information, amino acid conservation, physicochemical variation, residue mobility, and thermodynamic stability) performed at Invitae indicates that this missense variant is expected to disrupt NF1 protein function with a positive predictive value of 95%. In summary, the currently available evidence indicates that the variant is pathogenic, but additional data are needed to prove that conclusively. Therefore, this variant has been classified as Likely Pathogenic.

GeneDx
Classification: Uncertain significance. Last evaluated: 2020-10-30. Review status: criteria provided, single submitter. Criteria: GeneDx Variant Classification Process June 2021. Collection method: clinical testing. Allele origin: germline. Affected: yes.
Comment: Not observed in large population cohorts (Lek 2016); In silico analysis supports that this missense variant has a deleterious effect on protein structure/function; This variant is associated with the following publications: (PMID: 27322474)

Literature cited by the submitters: PubMed 17187824 (cited by Variantyx, Inc.); PubMed 27322474 (cited by Variantyx, Inc. and Labcorp Genetics (formerly Invitae), Labcorp).